The following is an entry in ClinVar:

NM_012079.6(DGAT1):c.314T>C (p.Leu105Pro)

Gene: DGAT1 (diacylglycerol O-acyltransferase 1; minus strand). Cytogenetic location: 8q24.3.
Variant type: single nucleotide variant.
Coding change: c.314T>C on transcript NM_012079.6 (MANE Select); coding-DNA position 314, T replaced by C.
Protein change: p.Leu105Pro; replaces leucine 105 with proline.
Molecular consequence: missense variant.
Genome position (GRCh38, 1-based): chr8:144,319,043, A>G on the plus strand (T>C on the coding strand, the complement: DGAT1 is on the minus strand). VCF-style: chr8-144319043-A-G. GRCh37 (hg19) VCF-style: chr8-145542706-A-G.
Other names: short protein forms L105P.
Identifiers: ClinVar variation 1801378 (VCV001801378.2), dbSNP rs782257835, ClinGen allele CA4937094.

ClinVar aggregate classification (germline): Likely pathogenic. Review status: criteria provided, single submitter (1 of 4 stars). 2 submissions from 2 submitters: Likely pathogenic (1). 1 of the submissions does not count toward it. Last evaluated 2026-01-28.

Conditions:
Congenital diarrhea 7 with exudative enteropathy. Also called: Diarrhea 7. Identifiers: Orphanet 329242, MedGen C4014516, MONDO:0014375, OMIM 615863.

Allele frequency attached by ClinVar (database versions not stated): gnomAD exomes below 0.00001; ExAC 0.00004.
gnomAD v4.1: 1 of 1,557,910 alleles (0.000064%); highest among the groups gnomAD compares: South Asian, 0.0012%; no homozygotes.

Submissions (2):

Women's Health and Genetics/Laboratory Corporation of America, LabCorp
Classification: Likely pathogenic for Congenital diarrhea 7 with exudative enteropathy. Last evaluated: 2026-01-28. Review status: criteria provided, single submitter. Criteria: LabCorp Variant Classification Summary - May 2015. Collection method: clinical testing. Allele origin: germline.
Comment: Variant summary: DGAT1 c.314T>C (p.Leu105Pro) results in a non-conservative amino acid change in the encoded protein sequence. Algorithms developed to predict the effect of missense changes on protein structure and function are either unavailable or do not agree on the potential impact of this missense change. The variant allele was found at a frequency of 1.8e-05 in 166724 control chromosomes. c.314T>C has been observed in individuals affected with Congenital Diarrhea 7 With Exudative Enteropathy (Gluchowski_2017). These data indicate that the variant is likely to be associated with disease. At least one functional study showed this variant results in partial loss of TG synthesis activity (Gluchowski_2017). The following publication have been ascertained in the context of this evaluation (PMID: 28373485). ClinVar contains an entry for this variant (Variation ID: 1801378). Based on the evidence outlined above, the variant was classified as likely pathogenic.

OMIM
Classification: Pathogenic for DIARRHEA 7, PROTEIN-LOSING ENTEROPATHY TYPE. Last evaluated: 2022-11-30. Review status: no assertion criteria provided. Collection method: literature only. Allele origin: germline. Not counted in ClinVar's aggregate classification.

Literature cited by the submitters: PubMed 28373485 (cited by Women's Health and Genetics/Laboratory Corporation of America, LabCorp and OMIM).